The following is an entry in ClinVar:

ClinVar aggregate classification (germline): Uncertain significance (1 of 4 stars; one submission).

Submission:

Labcorp Genetics (formerly Invitae), Labcorp
Classification: Uncertain significance. Last evaluated: 2022-06-24. Review status: criteria provided, single submitter. Criteria: Invitae Variant Classification Sherloc (09022015). Collection method: clinical testing. Allele origin: germline.
Comment: This variant results in a copy number gain of the genomic region encompassing exon(s) 1-2 of the ASAH1 gene. This region includes the initiator codon of the gene. This copy number gain extends beyond the assayed region for this gene and therefore may encompass additional genes. As the precise location of this event is unknown, it may be in tandem or it may be located elsewhere in the genome. In summary, the available evidence is currently insufficient to determine the role of this variant in disease. Therefore, it has been classified as a Variant of Uncertain Significance. Experimental studies and prediction algorithms are not available or were not evaluated, and the functional significance of this variant is currently unknown. This variant has not been reported in the literature in individuals affected with ASAH1-related conditions.

NC_000008.10:g.(?_17933030)_(17941567_?)dup

Gene: ASAH1 (N-acylsphingosine amidohydrolase 1; minus strand). Cytogenetic location: 8p22.
Variant type: Duplication.
Identifiers: ClinVar variation 2427559 (VCV002427559.2).